The following is an entry in ClinVar:

NM_024422.6(DSC2):c.1370_1371dup (p.Val458fs)

Gene: DSC2 (desmocollin 2; minus strand). Cytogenetic location: 18q12.1.
Variant type: Duplication.
Coding change: c.1370_1371dup on transcript NM_024422.6 (MANE Select); coding-DNA positions 1370 to 1371, 2 bases duplicated (CA; older notation c.1370_1371dupCA).
Protein change: p.Val458fs; shifts the reading frame from valine 458.
Molecular consequence: frameshift variant.
Genome position (GRCh38, 1-based): chr18:31,080,245-31,080,246, TG duplicated on the plus strand (CA on the coding strand, the reverse complement: DSC2 is on the minus strand); duplicating any 2 consecutive bases within chr18:31,080,245-31,080,247 gives the same sequence; the c. name uses the placement nearest the transcript's 3' end. VCF-style (leftmost placement, unchanged base first): chr18-31080244-C-CTG. GRCh37 (hg19) VCF-style: chr18-28660210-C-CTG.
Other names: c.1370_1371dup, p.Val458fs (NM_004949.5); short protein forms V458fs.
Identifiers: ClinVar variation 852942 (VCV000852942.7), dbSNP rs1987170019, ClinGen allele CA916081930.

ClinVar aggregate classification (germline): Pathogenic (1 of 4 stars; one submission).

Conditions:
Arrhythmogenic right ventricular dysplasia 11. Also called: ARRHYTHMOGENIC RIGHT VENTRICULAR DYSPLASIA, FAMILIAL, 11; Arrhythmogenic Right Ventricular Dysplasia/Cardiomyopathy11; Arrhythmogenic right ventricular dysplasia 11 with mild palmoplantar keratoderma and woolly hair. Identifiers: MedGen C1864850, MONDO:0012506, OMIM 610476.

Submission:

Labcorp Genetics (formerly Invitae), Labcorp
Classification: Pathogenic for Arrhythmogenic right ventricular dysplasia 11. Last evaluated: 2019-04-09. Review status: criteria provided, single submitter. Criteria: Invitae Variant Classification Sherloc (09022015). Collection method: clinical testing. Allele origin: germline.
Comment: This sequence change creates a premature translational stop signal (p.Val458Glnfs*6) in the DSC2 gene. It is expected to result in an absent or disrupted protein product. This variant is not present in population databases (ExAC no frequency). This variant has not been reported in the literature in individuals with DSC2-related conditions. Loss-of-function variants in DSC2 are known to be pathogenic (PMID: 23911551). For these reasons, this variant has been classified as Pathogenic.

Literature cited by the submitters: PubMed 23911551.